The following is an entry in ClinVar:

NM_000138.5(FBN1):c.5503_5517del (p.Cys1835_Tyr1839del)

Gene: FBN1 (fibrillin 1; minus strand). Cytogenetic location: 15q21.1.
Variant type: Deletion.
Coding change: c.5503_5517del on transcript NM_000138.5 (MANE Select); coding-DNA positions 5503 to 5517, 15 bases deleted (TGTAAGCCCGGCTAC).
Protein change: p.Cys1835_Tyr1839del.
Molecular consequence: inframe deletion.
Genome position (GRCh38, 1-based): chr15:48,452,590-48,452,604, GTAGCCGGGCTTACA deleted on the plus strand (TGTAAGCCCGGCTAC on the coding strand, the reverse complement: FBN1 is on the minus strand); deleting any 15 consecutive bases within chr15:48,452,590-48,452,606 gives the same sequence; the c. name uses the placement nearest the transcript's 3' end. VCF-style (leftmost placement, unchanged base first): chr15-48452589-GGTAGCCGGGCTTACA-G. GRCh37 (hg19) VCF-style: chr15-48744786-GGTAGCCGGGCTTACA-G.
Identifiers: ClinVar variation 1428631 (VCV001428631.8), dbSNP rs2141255919, ClinGen allele CA2573150914.

ClinVar aggregate classification (germline): Pathogenic (1 of 4 stars; one submission).

Conditions:
Marfan syndrome (MFS). Also called: MARFAN SYNDROME, TYPE I; Marfan syndrome type 1; Marfan's syndrome; Marfan syndrome, classic; FBN1-Related Marfan Syndrome. Identifiers: Orphanet 284963, Orphanet 558, MedGen C0024796, MONDO:0007947, OMIM 154700.
Familial thoracic aortic aneurysm and aortic dissection (TAAD). Also called: Thoracic aortic aneurysms and dissections. Identifiers: Orphanet 91387, MedGen C4707243, MONDO:0019625.

Submission:

Labcorp Genetics (formerly Invitae), Labcorp
Classification: Pathogenic for Marfan syndrome; Familial thoracic aortic aneurysm and aortic dissection. Last evaluated: 2021-04-17. Review status: criteria provided, single submitter. Criteria: Invitae Variant Classification Sherloc (09022015). Collection method: clinical testing. Allele origin: germline.
Comment: This variant disrupts the p.Cys1835 amino acid residue in FBN1. Other variant(s) that disrupt this residue have been determined to be pathogenic (PMID: 24199744, 10647894, 11700157, 11826022, Invitae). This suggests that this residue is clinically significant, and that variants that disrupt this residue are likely to be disease-causing. For these reasons, this variant has been classified as Pathogenic. This variant affects a cysteine residue in the EGF-like, TGFBP or hybrid motif domains of FBN1. Cysteine residues are believed to be involved in intramolecular disulfide bridges and have been shown to be important for FBN1 protein structure (PMID: 16905551, 19349279). In addition, missense substitutions affecting cysteine residues within these domains are significantly overrepresented among patients with Marfan syndrome (PMID: 16571647, 17701892). This variant has not been reported in the literature in individuals with FBN1-related conditions. This variant is not present in population databases (ExAC no frequency). This variant, c.5503_5517del, results in the deletion of 5 amino acid(s) of the FBN1 protein (p.Cys1835_Tyr1839del), but otherwise preserves the integrity of the reading frame.

Literature cited by the submitters: PubMed 24199744; PubMed 10647894; PubMed 11700157; PubMed 11826022; PubMed 16905551; PubMed 19349279; PubMed 16571647; PubMed 17701892.